The following is an entry in ClinVar:

ClinVar aggregate classification (germline): Uncertain significance (1 of 4 stars; one submission).

Conditions:
VPS13B-related disorder. Also called: VPS13B-related condition.

gnomAD v4.1: 23 of 1,612,988 alleles (0.0014%); highest among the groups gnomAD compares: African/African-American, 0.004%; no homozygotes.

Submission:

PreventionGenetics, part of Exact Sciences
Classification: Uncertain significance for VPS13B-related condition. Last evaluated: 2024-12-23. Review status: criteria provided, single submitter. Criteria: ACMG Guidelines, 2015. Collection method: clinical testing. Allele origin: germline.
Comment: The VPS13B c.4879T>C variant is predicted to result in the amino acid substitution p.Ser1627Pro. To our knowledge, this variant has not been reported in the literature. This variant is reported in 0.0062% of alleles in individuals of African descent in gnomAD. At this time, the clinical significance of this variant is uncertain due to the absence of conclusive functional and genetic evidence.

NM_152564.5(VPS13B):c.4879T>C (p.Ser1627Pro)

Gene: VPS13B (vacuolar protein sorting 13 homolog B; plus strand). Cytogenetic location: 8q22.2.
Variant type: single nucleotide variant.
Coding change: c.4879T>C on transcript NM_152564.5 (MANE Select); coding-DNA position 4879, T replaced by C.
Protein change: p.Ser1627Pro; replaces serine 1627 with proline.
Molecular consequence: missense variant.
Genome position (GRCh38, 1-based): chr8:99,556,583, T>C. VCF-style: chr8-99556583-T-C. GRCh37 (hg19) VCF-style: chr8-100568811-T-C.
Other names: c.4954T>C, p.Ser1652Pro (NM_017890.5); short protein forms S1627P, S1652P.
Identifiers: ClinVar variation 4982376 (VCV004982376.1).